The following is an entry in ClinVar:

ClinVar aggregate classification (germline): Uncertain significance (1 of 4 stars; one submission).

Submission:

Labcorp Genetics (formerly Invitae), Labcorp
Classification: Uncertain significance. Last evaluated: 2024-01-15. Review status: criteria provided, single submitter. Criteria: Invitae Variant Classification Sherloc (09022015). Collection method: clinical testing. Allele origin: germline.
Comment: This sequence change falls in intron 14 of the TONSL gene. It does not directly change the encoded amino acid sequence of the TONSL protein. This variant is not present in population databases (gnomAD no frequency). This variant has not been reported in the literature in individuals affected with TONSL-related conditions. ClinVar contains an entry for this variant (Variation ID: 2160152). Algorithms developed to predict the effect of sequence changes on RNA splicing suggest that this variant may disrupt the consensus splice site. In summary, the available evidence is currently insufficient to determine the role of this variant in disease. Therefore, it has been classified as a Variant of Uncertain Significance.

NM_013432.5(TONSL):c.1727-9G>A

Genes: TONSL (tonsoku like, DNA repair protein; minus strand), TONSL-AS1 (TONSL antisense RNA 1; plus strand). Cytogenetic location: 8q24.3.
Variant type: single nucleotide variant.
Coding change: c.1727-9G>A on transcript NM_013432.5 (MANE Select); 9 bases into the intron before coding-DNA position 1727, G replaced by A.
Molecular consequence: intron variant. On other transcripts: non-coding transcript variant (1).
Genome position (GRCh38, 1-based): chr8:144,436,929, C>T on the plus strand (G>A on the coding strand, the complement: TONSL is on the minus strand). VCF-style: chr8-144436929-C-T. GRCh37 (hg19) VCF-style: chr8-145662312-C-T.
Identifiers: ClinVar variation 2160152 (VCV002160152.4), dbSNP rs2537492253, ClinGen allele CA463557658.